The following is an entry in ClinVar:

NM_014856.3(DENND4B):c.108G>C (p.Gly36=)

Gene: DENND4B (DENN domain containing 4B; minus strand). Cytogenetic location: 1q21.3.
Variant type: single nucleotide variant.
Coding change: c.108G>C on transcript NM_014856.3 (MANE Select); coding-DNA position 108, G replaced by C.
Protein change: p.Gly36=; no amino-acid change (glycine 36 retained).
Molecular consequence: synonymous variant.
Genome position (GRCh38, 1-based): chr1:153,944,267, C>G on the plus strand (G>C on the coding strand, the complement: DENND4B is on the minus strand). VCF-style: chr1-153944267-C-G. GRCh37 (hg19) VCF-style: chr1-153916743-C-G.
Other names: c.141G>C, p.Gly47= (NM_001367466.1).
Identifiers: ClinVar variation 3044585 (VCV003044585.2), dbSNP rs138963182, ClinGen allele CA1122037.

ClinVar aggregate classification (germline): Benign (0 of 4 stars; one submission).

Conditions:
DENND4B-related disorder. Also called: DENND4B-related condition.

Allele frequency attached by ClinVar (database versions not stated): TOPMed 0.00210; 1000 Genomes Project 0.00479; 1000 Genomes Project 30x 0.00515; ExAC 0.00086; ESP Exome Variant Server 0.00188; gnomAD 0.00190.
gnomAD v4.1: 571 of 1,601,356 alleles (0.036%); highest among the groups gnomAD compares: African/African-American, 0.63%; 2 homozygotes.

Submission:

PreventionGenetics, part of Exact Sciences
Classification: Benign for DENND4B-related condition. Last evaluated: 2024-05-09. Review status: no assertion criteria provided. Collection method: clinical testing. Allele origin: germline.
Comment: This variant is classified as benign based on ACMG/AMP sequence variant interpretation guidelines (Richards et al. 2015 PMID: 25741868, with internal and published modifications).